The following is an entry in ClinVar:

ClinVar aggregate classification (germline): Pathogenic (1 of 4 stars; one submission).

Conditions:
Melnick-Needles syndrome (MNS). Also called: MELNICK-NEEDLES OSTEODYSPLASTY; OSTEODYSPLASTY OF MELNICK AND NEEDLES; Melnick-Needles Syndrome (FLNA-MNS). Identifiers: Orphanet 2484, MedGen C0025237, MONDO:0010650, OMIM 309350.
Frontometaphyseal dysplasia (FMD1). Identifiers: Orphanet 1826, MedGen C0265293, MONDO:0015942.
Oto-palato-digital syndrome, type II (OPD2). Also called: FACIOPALATOOSSEOUS SYNDROME; OPD II SYNDROME; Otopalatodigital Syndrome Type 2 (FLNA-OPD2); Otopalatodigital Syndrome, Type II. Identifiers: Orphanet 669, Orphanet 90652, MedGen C1844696, MONDO:0010571, OMIM 304120.
Heterotopia, periventricular, X-linked dominant (PVNH1). Also called: PERIVENTRICULAR NODULAR HETEROTOPIA 1; X-linked periventricular heterotopia; PERIVENTRICULAR NODULAR HETEROTOPIA 4; HETEROTOPIA, PERIVENTRICULAR, 1. Identifiers: Orphanet 2149, Orphanet 82004, MedGen C1848213, MONDO:0010233, OMIM 300049.

Submission:

Labcorp Genetics (formerly Invitae), Labcorp
Classification: Pathogenic for Oto-palato-digital syndrome, type II; Heterotopia, periventricular, X-linked dominant; Frontometaphyseal dysplasia; Melnick-Needles syndrome. Last evaluated: 2021-10-26. Review status: criteria provided, single submitter. Criteria: Invitae Variant Classification Sherloc (09022015). Collection method: clinical testing. Allele origin: germline.
Comment: For these reasons, this variant has been classified as Pathogenic. This variant has not been reported in the literature in individuals affected with FLNA-related conditions. This variant is a gross deletion of the genomic region encompassing exon(s) 10-13 of the FLNA gene. This deletion is out-of-frame, and is expected to create a premature termination codon and result in an absent or disrupted protein product. Loss-of-function variants in FLNA are known to be pathogenic (PMID: 16684786, 20730588, 26471271).

Literature cited by the submitters: PubMed 16684786; PubMed 20730588; PubMed 26471271.

NC_000023.10:g.(?_153592874)_(153593874_?)del

Gene: FLNA (filamin A; minus strand). Cytogenetic location: Xq28.
Variant type: Deletion.
Identifiers: ClinVar variation 2424170 (VCV002424170.4).